The following is an entry in ClinVar:

ClinVar aggregate classification (germline): Uncertain significance. Review status: criteria provided, multiple submitters, no conflicts (2 of 4 stars). 2 submissions from 2 submitters: Uncertain significance (2). Last evaluated 2024-12-27.

Conditions:
Hereditary cancer-predisposing syndrome. Also called: Neoplastic Syndromes, Hereditary; Tumor predisposition; Hereditary Cancer Syndrome; Hereditary neoplastic syndrome. Identifiers: Orphanet 140162, MedGen C0027672, MeSH D009386, MONDO:0015356.
BAP1-related tumor predisposition syndrome (TPDS1). Also called: Tumor susceptibility linked to germline BAP1 mutations; COMMON Syndrome; TUMOR PREDISPOSITION SYNDROME 1; BAP1 tumor predisposition syndrome. Identifiers: Orphanet 289539, MedGen C3280492, MONDO:0013692, OMIM 614327.

Allele frequency attached by ClinVar (database versions not stated): gnomAD exomes below 0.00001; TOPMed below 0.00001.
gnomAD v4.1: 7 of 1,614,142 alleles (0.00043%); highest among the groups gnomAD compares: Non-Finnish European, 0.00059%; no homozygotes.

Submissions (2):

Ambry Genetics
Classification: Uncertain significance for Hereditary cancer-predisposing syndrome. Last evaluated: 2024-12-27. Review status: criteria provided, single submitter. Criteria: Ambry Variant Classification Scheme 2023. Collection method: clinical testing. Allele origin: germline.
Comment: The p.E136A variant (also known as c.407A>C), located in coding exon 6 of the BAP1 gene, results from an A to C substitution at nucleotide position 407. The glutamic acid at codon 136 is replaced by alanine, an amino acid with dissimilar properties. This amino acid position is conserved. In addition, this alteration is predicted to be deleterious by in silico analysis. Since supporting evidence is limited at this time, the clinical significance of this alteration remains unclear.

Labcorp Genetics (formerly Invitae), Labcorp
Classification: Uncertain significance for BAP1-related tumor predisposition syndrome. Last evaluated: 2024-12-23. Review status: criteria provided, single submitter. Criteria: Invitae Variant Classification Sherloc (09022015). Collection method: clinical testing. Allele origin: germline.
Comment: This sequence change replaces glutamic acid, which is acidic and polar, with alanine, which is neutral and non-polar, at codon 136 of the BAP1 protein (p.Glu136Ala). This variant is present in population databases (no rsID available, gnomAD 0.0009%). This variant has not been reported in the literature in individuals affected with BAP1-related conditions. ClinVar contains an entry for this variant (Variation ID: 1737603). Invitae Evidence Modeling of protein sequence and biophysical properties (such as structural, functional, and spatial information, amino acid conservation, physicochemical variation, residue mobility, and thermodynamic stability) indicates that this missense variant is not expected to disrupt BAP1 protein function with a negative predictive value of 80%. In summary, the available evidence is currently insufficient to determine the role of this variant in disease. Therefore, it has been classified as a Variant of Uncertain Significance.

NM_004656.4(BAP1):c.407A>C (p.Glu136Ala)

Gene: BAP1 (BRCA1 associated deubiquitinase 1; minus strand). Cytogenetic location: 3p21.1.
Variant type: single nucleotide variant.
Coding change: c.407A>C on transcript NM_004656.4 (MANE Select); coding-DNA position 407, A replaced by C.
Protein change: p.Glu136Ala; replaces glutamic acid 136 with alanine.
Molecular consequence: missense variant.
Genome position (GRCh38, 1-based): chr3:52,407,429, T>G on the plus strand (A>C on the coding strand, the complement: BAP1 is on the minus strand). VCF-style: chr3-52407429-T-G. GRCh37 (hg19) VCF-style: chr3-52441445-T-G.
Other names: c.407A>C, p.Glu136Ala (NM_001410772.1); short protein forms E136A.
Identifiers: ClinVar variation 1737603 (VCV001737603.5), dbSNP rs1337158991, ClinGen allele CA353110967.